The following is an entry in ClinVar:

ClinVar aggregate classification (germline): Uncertain significance. Review status: criteria provided, multiple submitters, no conflicts (2 of 4 stars). 3 submissions from 3 submitters: Uncertain significance (2). 1 of the submissions does not count toward it. Last evaluated 2024-12-07.

Conditions:
Retinal dystrophy. Also called: Inherited retinal dystrophy. Identifiers: Orphanet 71862, MedGen C0854723, MeSH D058499, MONDO:0019118, HP:0000556.

Allele frequency attached by ClinVar (database versions not stated): ExAC 0.00002; TOPMed 0.00002; 1000 Genomes Project 30x 0.00031; 1000 Genomes Project 0.00040.
gnomAD v4.1: 14 of 1,605,596 alleles (0.00087%); highest among the groups gnomAD compares: Admixed American, 0.0051%; no homozygotes.

Submissions (3):

Ambry Genetics
Classification: Uncertain significance. Last evaluated: 2024-12-07. Review status: criteria provided, single submitter. Criteria: Ambry Variant Classification Scheme 2023. Collection method: clinical testing. Allele origin: germline.

Labcorp Genetics (formerly Invitae), Labcorp
Classification: Uncertain significance. Last evaluated: 2022-09-19. Review status: criteria provided, single submitter. Criteria: Invitae Variant Classification Sherloc (09022015). Collection method: clinical testing. Allele origin: germline.
Comment: ClinVar contains an entry for this variant (Variation ID: 1014231). This variant has not been reported in the literature in individuals affected with KCNJ13-related conditions. The frequency data for this variant in the population databases is considered unreliable, as metrics indicate poor data quality at this position in the gnomAD database. This sequence change replaces isoleucine, which is neutral and non-polar, with threonine, which is neutral and polar, at codon 160 of the KCNJ13 protein (p.Ile160Thr). Advanced modeling of protein sequence and biophysical properties (such as structural, functional, and spatial information, amino acid conservation, physicochemical variation, residue mobility, and thermodynamic stability) performed at Invitae indicates that this missense variant is not expected to disrupt KCNJ13 protein function. In summary, the available evidence is currently insufficient to determine the role of this variant in disease. Therefore, it has been classified as a Variant of Uncertain Significance.

Institute of Human Genetics, Univ. Regensburg, Univ. Regensburg
Classification: Uncertain significance for Retinal dystrophy. Last evaluated: 2022-01-01. Review status: no assertion criteria provided. Criteria: ACMG Guidelines, 2015. Collection method: clinical testing. Allele origin: germline. Affected: yes. Not counted in ClinVar's aggregate classification.

NM_002242.4(KCNJ13):c.479T>C (p.Ile160Thr)

Genes: GIGYF2 (GRB10 interacting GYF protein 2; plus strand), KCNJ13 (potassium inwardly rectifying channel subfamily J member 13; minus strand). Cytogenetic location: 2q37.1.
Variant type: single nucleotide variant.
Coding change: c.479T>C on transcript NM_002242.4 (MANE Select); coding-DNA position 479, T replaced by C.
Protein change: p.Ile160Thr; replaces isoleucine 160 with threonine.
Molecular consequence: missense variant. On other transcripts: synonymous variant (1), intron variant (4).
Genome position (GRCh38, 1-based): chr2:232,768,795, A>G on the plus strand (T>C on the coding strand, the complement: KCNJ13 is on the minus strand). VCF-style: chr2-232768795-A-G. GRCh37 (hg19) VCF-style: chr2-233633505-A-G.
Other names: c.243T>C, p.Asp81= (NM_001172416.1); c.239T>C, p.Ile80Thr (NM_001172417.1); c.532+7359A>G (NM_001103146.3, NM_015575.4, NM_001103147.2 and 1 more transcripts); short protein forms I160T, I80T.
Identifiers: ClinVar variation 1014231 (VCV001014231.12), dbSNP rs564363265, ClinGen allele CA2170025.